The following is an entry in ClinVar:

ClinVar aggregate classification (germline): Uncertain significance (1 of 4 stars; one submission).

Allele frequency attached by ClinVar (database versions not stated): ExAC 0.00001; gnomAD 0.00001; TOPMed 0.00001.
gnomAD v4.1: 2 of 1,611,166 alleles (0.00012%); highest among the groups gnomAD compares: African/African-American, 0.0027%; no homozygotes.

Submission:

Labcorp Genetics (formerly Invitae), Labcorp
Classification: Uncertain significance. Last evaluated: 2022-03-20. Review status: criteria provided, single submitter. Criteria: Invitae Variant Classification Sherloc (09022015). Collection method: clinical testing. Allele origin: germline.
Comment: In summary, the available evidence is currently insufficient to determine the role of this variant in disease. Therefore, it has been classified as a Variant of Uncertain Significance. Algorithms developed to predict the effect of missense changes on protein structure and function are either unavailable or do not agree on the potential impact of this missense change (SIFT: "Tolerated"; PolyPhen-2: "Possibly Damaging"; Align-GVGD: "Class C0"). This variant has not been reported in the literature in individuals affected with ANKZF1-related conditions. This variant is present in population databases (rs755686215, gnomAD 0.007%). This sequence change replaces alanine, which is neutral and non-polar, with threonine, which is neutral and polar, at codon 557 of the ANKZF1 protein (p.Ala557Thr).

NM_018089.3(ANKZF1):c.1669G>A (p.Ala557Thr)

Gene: ANKZF1 (ankyrin repeat and zinc finger peptidyl tRNA hydrolase 1; plus strand). Cytogenetic location: 2q35.
Variant type: single nucleotide variant.
Coding change: c.1669G>A on transcript NM_018089.3 (MANE Select); coding-DNA position 1669, G replaced by A.
Protein change: p.Ala557Thr; replaces alanine 557 with threonine.
Molecular consequence: missense variant.
Genome position (GRCh38, 1-based): chr2:219,235,290, G>A. VCF-style: chr2-219235290-G-A. GRCh37 (hg19) VCF-style: chr2-220100012-G-A.
Other names: c.1669G>A, p.Ala557Thr (NM_001042410.2); c.1039G>A, p.Ala347Thr (NM_001282792.2); short protein forms A347T, A557T.
Identifiers: ClinVar variation 1960153 (VCV001960153.5), dbSNP rs755686215, ClinGen allele CA2121114.